The following is an entry in ClinVar:

ClinVar aggregate classification (germline): Uncertain significance (1 of 4 stars; one submission).

Allele frequency attached by ClinVar (database versions not stated): gnomAD exomes below 0.00001; gnomAD 0.00001; TOPMed 0.00003.
gnomAD v4.1: 3 of 1,610,652 alleles (0.00019%); highest among the groups gnomAD compares: African/African-American, 0.0027%; no homozygotes.

Submission:

Labcorp Genetics (formerly Invitae), Labcorp
Classification: Uncertain significance. Last evaluated: 2025-03-17. Review status: criteria provided, single submitter. Criteria: Invitae Variant Classification Sherloc (09022015). Collection method: clinical testing. Allele origin: germline.
Comment: This sequence change replaces histidine, which is basic and polar, with arginine, which is basic and polar, at codon 904 of the PCARE protein (p.His904Arg). This variant is present in population databases (no rsID available, gnomAD 0.004%). This variant has not been reported in the literature in individuals affected with PCARE-related conditions. ClinVar contains an entry for this variant (Variation ID: 1021498). An algorithm developed to predict the effect of missense changes on protein structure and function outputs the following: PolyPhen-2: "Benign". The arginine amino acid residue is found in multiple mammalian species, which suggests that this missense change does not adversely affect protein function. In summary, the available evidence is currently insufficient to determine the role of this variant in disease. Therefore, it has been classified as a Variant of Uncertain Significance.

NM_001029883.3(PCARE):c.2711A>G (p.His904Arg)

Gene: PCARE (photoreceptor cilium actin regulator; minus strand). Cytogenetic location: 2p23.2.
Variant type: single nucleotide variant.
Coding change: c.2711A>G on transcript NM_001029883.3 (MANE Select); coding-DNA position 2711, A replaced by G.
Protein change: p.His904Arg; replaces histidine 904 with arginine.
Molecular consequence: missense variant.
Genome position (GRCh38, 1-based): chr2:29,071,551, T>C on the plus strand (A>G on the coding strand, the complement: PCARE is on the minus strand). VCF-style: chr2-29071551-T-C. GRCh37 (hg19) VCF-style: chr2-29294417-T-C.
Other names: short protein forms H904R.
Identifiers: ClinVar variation 1021498 (VCV001021498.7), dbSNP rs1220510326, ClinGen allele CA346476598.